The following is an entry in ClinVar:

ClinVar aggregate classification (germline): Likely benign (1 of 4 stars; one submission).

gnomAD v4.1: 1 of 1,605,442 alleles (0.000062%); highest among the groups gnomAD compares: Non-Finnish European, 0.000085%; no homozygotes.

Submission:

CeGaT Center for Human Genetics Tuebingen
Classification: Likely benign. Last evaluated: 2025-03-01. Review status: criteria provided, single submitter. Criteria: CeGaT Center For Human Genetics Tuebingen Variant Classification Criteria Version 2. Collection method: clinical testing. Allele origin: germline. Affected: yes. Observed: 1 variant allele.
Comment: NOTCH3: BP4, BP7

NM_000435.3(NOTCH3):c.402C>T (p.Cys134=)

Gene: NOTCH3 (notch receptor 3; minus strand). Cytogenetic location: 19p13.12.
Variant type: single nucleotide variant.
Coding change: c.402C>T on transcript NM_000435.3 (MANE Select); coding-DNA position 402, C replaced by T.
Protein change: p.Cys134=; no amino-acid change (cysteine 134 retained).
Molecular consequence: synonymous variant.
Genome position (GRCh38, 1-based): chr19:15,192,237, G>A on the plus strand (C>T on the coding strand, the complement: NOTCH3 is on the minus strand). VCF-style: chr19-15192237-G-A. GRCh37 (hg19) VCF-style: chr19-15303048-G-A.
Identifiers: ClinVar variation 3778296 (VCV003778296.7).
Genomic context (GRCh38, chr19:15,192,237, plus strand): 5'-GCTGCGGCCCTGGTAGCCAGGTGGGCAGGAGCAGAGGAAGCGTCCATCGGGCCCCACTGA[G>A]CAGCGGGCACCGTGGGCACAAGGGCTGCTGAGGCAGGGATCTGGCAGGGAGCAGTCAGGG-3'
Protein context (NP_000426.2, residues 124-144): LSSPCAHGAR[Cys134=]SVGPDGRFLC